The following is an entry in ClinVar:

NM_001110556.2(FLNA):c.943G>C (p.Glu315Gln)

Gene: FLNA (filamin A; minus strand). Cytogenetic location: Xq28.
Variant type: single nucleotide variant.
Coding change: c.943G>C on transcript NM_001110556.2 (MANE Select); coding-DNA position 943, G replaced by C.
Protein change: p.Glu315Gln; replaces glutamic acid 315 with glutamine.
Molecular consequence: missense variant.
Genome position (GRCh38, 1-based): chrX:154,366,776, C>G on the plus strand (G>C on the coding strand, the complement: FLNA is on the minus strand). VCF-style: chrX-154366776-C-G. GRCh37 (hg19) VCF-style: chrX-153595144-C-G.
Other names: c.943G>C, p.Glu315Gln (NM_001456.4); short protein forms E315Q.
Identifiers: ClinVar variation 4530956 (VCV004530956.1).
Genomic context (GRCh38, chrX:154,366,776, plus strand): 5'-CAGCAGCTGGCCCTACCTCCTCCTGGTGTCCGGCCGGGTCCTCCACGTACACCAGCACCT[C>G]TCCCTGGCCAGCACTTCTGGTCTCCACAGTGAACTCTGCCCGCTTCTTCACCATGTTGCC-3'
Protein context (NP_001104026.1, residues 305-325): TVETRSAGQG[Glu315Gln]VLVYVEDPAG

ClinVar aggregate classification (germline): Uncertain significance (1 of 4 stars; one submission).

Submission:

GeneDx
Classification: Uncertain significance. Last evaluated: 2025-05-21. Review status: criteria provided, single submitter. Criteria: GeneDx Variant Classification Process June 2021. Collection method: clinical testing. Allele origin: germline. Affected: yes.
Comment: Not observed at significant frequency in large population cohorts (gnomAD); In silico analysis suggests that this missense variant does not alter protein structure/function; Has not been previously published as pathogenic or benign to our knowledge